The following is an entry in ClinVar:

NM_000094.4(COL7A1):c.6455C>T (p.Pro2152Leu)

Gene: COL7A1 (collagen type VII alpha 1 chain; minus strand). Cytogenetic location: 3p21.31.
Variant type: single nucleotide variant.
Coding change: c.6455C>T on transcript NM_000094.4 (MANE Select); coding-DNA position 6455, C replaced by T.
Protein change: p.Pro2152Leu; replaces proline 2152 with leucine.
Molecular consequence: missense variant.
Genome position (GRCh38, 1-based): chr3:48,574,489, G>A on the plus strand (C>T on the coding strand, the complement: COL7A1 is on the minus strand). VCF-style: chr3-48574489-G-A. GRCh37 (hg19) VCF-style: chr3-48611922-G-A.
Other names: short protein forms P2152L.
Identifiers: ClinVar variation 2164821 (VCV002164821.4), dbSNP rs754548056, ClinGen allele CA2379039.

ClinVar aggregate classification (germline): Conflicting classifications of pathogenicity. Review status: criteria provided, conflicting classifications (1 of 4 stars). 2 submissions from 2 submitters: Uncertain significance (1); Likely benign (1). Last evaluated 2024-11-29.

Allele frequency attached by ClinVar (database versions not stated): ExAC 0.00001; TOPMed 0.00002; gnomAD 0.00003.
gnomAD v4.1: 42 of 1,613,954 alleles (0.0026%); highest among the groups gnomAD compares: East Asian, 0.0045%; no homozygotes.

Submissions (2):

Labcorp Genetics (formerly Invitae), Labcorp
Classification: Uncertain significance. Last evaluated: 2024-11-29. Review status: criteria provided, single submitter. Criteria: Invitae Variant Classification Sherloc (09022015). Collection method: clinical testing. Allele origin: germline.
Comment: This sequence change replaces proline, which is neutral and non-polar, with leucine, which is neutral and non-polar, at codon 2152 of the COL7A1 protein (p.Pro2152Leu). This variant is present in population databases (rs754548056, gnomAD 0.004%). This variant has not been reported in the literature in individuals affected with COL7A1-related conditions. ClinVar contains an entry for this variant (Variation ID: 2164821). Invitae Evidence Modeling of protein sequence and biophysical properties (such as structural, functional, and spatial information, amino acid conservation, physicochemical variation, residue mobility, and thermodynamic stability) indicates that this missense variant is not expected to disrupt COL7A1 protein function with a negative predictive value of 95%. In summary, the available evidence is currently insufficient to determine the role of this variant in disease. Therefore, it has been classified as a Variant of Uncertain Significance.

Blueprint Genetics
Classification: Likely benign. Last evaluated: 2024-01-12. Review status: criteria provided, single submitter. Criteria: ACMG Guidelines, 2015. Collection method: clinical testing. Allele origin: germline.